The following is an entry in ClinVar:

ClinVar aggregate classification (germline): Uncertain significance (1 of 4 stars; one submission).

Allele frequency attached by ClinVar (database versions not stated): gnomAD exomes 0.00001 and 0.00003; ExAC 0.00002; TOPMed 0.00002.
gnomAD v4.1: 17 of 1,614,054 alleles (0.0011%); highest among the groups gnomAD compares: East Asian, 0.0022%; no homozygotes.

Submission:

Labcorp Genetics (formerly Invitae), Labcorp
Classification: Uncertain significance. Last evaluated: 2024-01-01. Review status: criteria provided, single submitter. Criteria: Invitae Variant Classification Sherloc (09022015). Collection method: clinical testing. Allele origin: germline.
Comment: This sequence change replaces threonine, which is neutral and polar, with methionine, which is neutral and non-polar, at codon 1608 of the SNRNP200 protein (p.Thr1608Met). This variant is present in population databases (rs770562614, gnomAD 0.02%). This missense change has been observed in individual(s) with clinical features of SNRNP200-related conditions (Invitae). ClinVar contains an entry for this variant (Variation ID: 843347). Advanced modeling of protein sequence and biophysical properties (such as structural, functional, and spatial information, amino acid conservation, physicochemical variation, residue mobility, and thermodynamic stability) performed at Invitae indicates that this missense variant is not expected to disrupt SNRNP200 protein function with a negative predictive value of 80%. In summary, the available evidence is currently insufficient to determine the role of this variant in disease. Therefore, it has been classified as a Variant of Uncertain Significance.

NM_014014.5(SNRNP200):c.4823C>T (p.Thr1608Met)

Gene: SNRNP200 (small nuclear ribonucleoprotein U5 subunit 200; minus strand). Cytogenetic location: 2q11.2.
Variant type: single nucleotide variant.
Coding change: c.4823C>T on transcript NM_014014.5 (MANE Select); coding-DNA position 4823, C replaced by T.
Protein change: p.Thr1608Met; replaces threonine 1608 with methionine.
Molecular consequence: missense variant.
Genome position (GRCh38, 1-based): chr2:96,283,293, G>A on the plus strand (C>T on the coding strand, the complement: SNRNP200 is on the minus strand). VCF-style: chr2-96283293-G-A. GRCh37 (hg19) VCF-style: chr2-96949031-G-A.
Other names: short protein forms T1608M.
Identifiers: ClinVar variation 843347 (VCV000843347.9), dbSNP rs770562614, ClinGen allele CA1778124.